The following is an entry in ClinVar:

NM_000392.5(ABCC2):c.170A>G (p.Lys57Arg)

Genes: ABCC2 (ATP binding cassette subfamily C member 2; plus strand), LOC108281165 (MED14-independent group 3 enhancer GRCh37_chr10:101544125-101545324; plus strand). Cytogenetic location: 10q24.2.
Variant type: single nucleotide variant.
Coding change: c.170A>G on transcript NM_000392.5 (MANE Select); coding-DNA position 170, A replaced by G.
Protein change: p.Lys57Arg; replaces lysine 57 with arginine.
Molecular consequence: missense variant.
Genome position (GRCh38, 1-based): chr10:99,784,744, A>G. VCF-style: chr10-99784744-A-G. GRCh37 (hg19) VCF-style: chr10-101544501-A-G.
Other names: short protein forms K57R.
Identifiers: ClinVar variation 1028228 (VCV001028228.1), dbSNP rs761468521, ClinGen allele CA378100947.

ClinVar aggregate classification (germline): Uncertain significance (1 of 4 stars; one submission).

Conditions:
Dubin-Johnson syndrome (DJS). Also called: HYPERBILIRUBINEMIA, DUBIN-JOHNSON TYPE; Jaundice, Chronic Idiopathic; Hyperbilirubinemia type 2. Identifiers: Orphanet 234, MedGen C0022350, MONDO:0009380, OMIM 237500.

Submission:

Baylor Genetics
Classification: Uncertain significance for Dubin-Johnson syndrome. Last evaluated: 2019-03-15. Review status: criteria provided, single submitter. Criteria: ACMG Guidelines, 2015. Collection method: clinical testing. Allele origin: maternal. Affected: yes.
Comment: This variant was determined to be of uncertain significance according to ACMG Guidelines, 2015 [PMID:25741868].